The following is an entry in ClinVar:

ClinVar aggregate classification (germline): Conflicting classifications of pathogenicity. Review status: criteria provided, conflicting classifications (1 of 4 stars). 3 submissions from 3 submitters: Uncertain significance (1); Likely benign (1). 1 of the submissions does not count toward it. Last evaluated 2021-03-25.

Conditions:
3-methylcrotonyl-CoA carboxylase 2 deficiency. Also called: 3 alpha methylcrotonyl-CoA carboxylase 2 deficiency; 3 alpha methylcrotonylglycinuria 2; MCC 2 deficiency; Methylcrotonylglycinuria type 2; METHYLCROTONYLGLYCINURIA, TYPE II. Identifiers: Orphanet 6, MedGen C1859499, MONDO:0008862, OMIM 210210.

Allele frequency attached by ClinVar (database versions not stated): gnomAD exomes below 0.00001 and 0.00001; ExAC 0.00001; TOPMed 0.00003; gnomAD 0.00004; ESP Exome Variant Server 0.00008.
gnomAD v4.1: 11 of 1,613,040 alleles (0.00068%); highest among the groups gnomAD compares: African/African-American, 0.0053%; no homozygotes.

Submissions (3):

Labcorp Genetics (formerly Invitae), Labcorp
Classification: Uncertain significance for 3-methylcrotonyl-CoA carboxylase 2 deficiency. Last evaluated: 2021-03-25. Review status: criteria provided, single submitter. Criteria: Invitae Variant Classification Sherloc (09022015). Collection method: clinical testing. Allele origin: germline.
Comment: This sequence change falls in intron 15 of the MCCC2 gene. It does not directly change the encoded amino acid sequence of the MCCC2 protein. It affects a nucleotide within the consensus splice site of the intron. This variant is present in population databases (rs374049769, ExAC 0.01%). This variant has not been reported in the literature in individuals with MCCC2-related conditions. ClinVar contains an entry for this variant (Variation ID: 667531). Nucleotide substitutions within the consensus splice site are a relatively common cause of aberrant splicing (PMID: 17576681, 9536098). Algorithms developed to predict the effect of sequence changes on RNA splicing suggest that this variant is not likely to affect RNA splicing, but this prediction has not been confirmed by published transcriptional studies. In summary, the available evidence is currently insufficient to determine the role of this variant in disease. Therefore, it has been classified as a Variant of Uncertain Significance.

GeneDx
Classification: Likely benign. Last evaluated: 2018-05-22. Review status: criteria provided, single submitter. Criteria: GeneDx Variant Classification (06012015). Collection method: clinical testing. Allele origin: germline. Affected: yes.
Comment: This variant is considered likely benign or benign based on one or more of the following criteria: it is a conservative change, it occurs at a poorly conserved position in the protein, it is predicted to be benign by multiple in silico algorithms, and/or has population frequency not consistent with disease.

Natera, Inc.
Classification: Uncertain significance for 3-methylcrotonyl-CoA carboxylase 2 deficiency. Last evaluated: 2020-03-17. Review status: no assertion criteria provided. Collection method: clinical testing. Allele origin: germline. Not counted in ClinVar's aggregate classification.

Literature cited by the submitters: PubMed 17576681 (cited by Labcorp Genetics (formerly Invitae), Labcorp); PubMed 9536098 (cited by Labcorp Genetics (formerly Invitae), Labcorp).

NM_022132.5(MCCC2):c.1488+3C>T

Gene: MCCC2 (methylcrotonyl-CoA carboxylase subunit 2; plus strand). Cytogenetic location: 5q13.2.
Variant type: single nucleotide variant.
Coding change: c.1488+3C>T on transcript NM_022132.5 (MANE Select); 3 bases into the intron after coding-DNA position 1488, C replaced by T.
Molecular consequence: intron variant.
Genome position (GRCh38, 1-based): chr5:71,650,186, C>T. VCF-style: chr5-71650186-C-T. GRCh37 (hg19) VCF-style: chr5-70946013-C-T.
Other names: c.1374+3C>T (NM_001363147.1).
Identifiers: ClinVar variation 667531 (VCV000667531.4), dbSNP rs374049769, ClinGen allele CA3298162.
Genomic context (GRCh38, chr5:71,650,186, plus strand): 5'-GGCAGCCAATGTGTTGGCCACGATAACAAAGGACCAAAGAGCCCGGGAAGGAAAGCAGGT[C>T]GGTGTCGTTTTCTCTTGTTTCTCTCTGGTTTTGCCTCTCACCATAAACACCCTGGAGCCA-3'